The following is an entry in ClinVar:

ClinVar aggregate classification (germline): Uncertain significance. Review status: criteria provided, multiple submitters, no conflicts (2 of 4 stars). 4 submissions from 4 submitters: Uncertain significance (3). 1 of the submissions does not count toward it. Last evaluated 2022-09-08.

Conditions:
Cohen syndrome (COH1). Also called: PEPPER SYNDROME; Cutis verticis gyrata, retinitis pigmentosa, and sensorineural deafness. Identifiers: Orphanet 193, MedGen C0265223, MONDO:0008999, OMIM 216550.
Inborn genetic diseases. Identifiers: MedGen C0950123, MeSH D030342.

Allele frequency attached by ClinVar (database versions not stated): ExAC 0.00001; gnomAD 0.00001; TOPMed 0.00001; gnomAD exomes 0.00002.
gnomAD v4.1: 18 of 1,613,856 alleles (0.0011%); highest among the groups gnomAD compares: Admixed American, 0.0017%; no homozygotes.

Submissions (4):

Ambry Genetics
Classification: Uncertain significance for Inborn genetic diseases. Last evaluated: 2022-09-08. Review status: criteria provided, single submitter. Criteria: Ambry Variant Classification Scheme 2023. Collection method: clinical testing. Allele origin: germline.

Labcorp Genetics (formerly Invitae), Labcorp
Classification: Uncertain significance for Cohen syndrome. Last evaluated: 2022-06-22. Review status: criteria provided, single submitter. Criteria: Invitae Variant Classification Sherloc (09022015). Collection method: clinical testing. Allele origin: germline.
Comment: This sequence change replaces proline, which is neutral and non-polar, with serine, which is neutral and polar, at codon 136 of the VPS13B protein (p.Pro136Ser). This variant is present in population databases (rs757950339, gnomAD 0.004%). This variant has not been reported in the literature in individuals affected with VPS13B-related conditions. ClinVar contains an entry for this variant (Variation ID: 361037). Algorithms developed to predict the effect of missense changes on protein structure and function are either unavailable or do not agree on the potential impact of this missense change (SIFT: "Not Available"; PolyPhen-2: "Possibly Damaging"; Align-GVGD: "Not Available"). In summary, the available evidence is currently insufficient to determine the role of this variant in disease. Therefore, it has been classified as a Variant of Uncertain Significance.

Illumina Laboratory Services, Illumina
Classification: Uncertain significance for Cohen syndrome. Last evaluated: 2018-01-13. Review status: criteria provided, single submitter. Criteria: ICSL Variant Classification Criteria 13 December 2019. Collection method: clinical testing. Allele origin: germline.

Natera, Inc.
Classification: Uncertain significance for Cohen syndrome. Last evaluated: 2019-11-11. Review status: no assertion criteria provided. Collection method: clinical testing. Allele origin: germline. Not counted in ClinVar's aggregate classification.

NM_152564.5(VPS13B):c.406C>T (p.Pro136Ser)

Gene: VPS13B (vacuolar protein sorting 13 homolog B; plus strand). Cytogenetic location: 8q22.2.
Variant type: single nucleotide variant.
Coding change: c.406C>T on transcript NM_152564.5 (MANE Select); coding-DNA position 406, C replaced by T.
Protein change: p.Pro136Ser; replaces proline 136 with serine.
Molecular consequence: missense variant. On other transcripts: non-coding transcript variant (1).
Genome position (GRCh38, 1-based): chr8:99,096,426, C>T. VCF-style: chr8-99096426-C-T. GRCh37 (hg19) VCF-style: chr8-100108654-C-T.
Other names: c.406C>T, p.Pro136Ser (NM_015243.3, NM_017890.5, NM_181661.3); c.406C>T (NM_017890.3); short protein forms P136S.
Identifiers: ClinVar variation 361037 (VCV000361037.11), dbSNP rs757950339, ClinGen allele CA4822364.
Genomic context (GRCh38, chr8:99,096,426, plus strand): 5'-ACAAAATCATCAATCAAACCGCGGAGAATGCAGCAGGCTGCTCCTACAGATCCTGACTTA[C>T]CACCAGGTAACTTCTAATGGGATCAATAAAACCAAATTTCAATTTTTGGCCGGGCATGGT-3'
Protein context (NP_689777.3, residues 126-146): QQAAPTDPDL[Pro136Ser]PGYVQSLIRR